The following is an entry in ClinVar:

ClinVar aggregate classification (germline): Uncertain significance. Review status: criteria provided, multiple submitters, no conflicts (2 of 4 stars). 3 submissions from 3 submitters: Uncertain significance (3). Last evaluated 2026-07-17.

Conditions:
ZNF423-related disorder. Also called: ZNF423-related condition.
Nephronophthisis 14 (NPHP14). Identifiers: Orphanet 2318, MedGen C3539071, MONDO:0013916, OMIM 614844.

Allele frequency attached by ClinVar (database versions not stated): gnomAD 0.00001 and 0.00002; ExAC 0.00002; TOPMed 0.00007; 1000 Genomes Project 30x 0.00016; 1000 Genomes Project 0.00020.
gnomAD v4.1: 17 of 1,614,130 alleles (0.0011%); highest among the groups gnomAD compares: Admixed American, 0.0033%; no homozygotes.

Submissions (3):

PreventionGenetics, part of Exact Sciences
Classification: Uncertain significance for ZNF423-related condition. Last evaluated: 2026-07-17. Review status: criteria provided, single submitter. Criteria: ACMG Guidelines, 2015. Collection method: clinical testing. Allele origin: germline.
Comment: The ZNF423 c.1381C>T variant is predicted to result in the amino acid substitution p.Arg461Cys. To our knowledge, this variant has not been reported in the literature. This variant is reported in 0.0065% of alleles in individuals of South Asian descent in gnomAD. At this time, the clinical significance of this variant is uncertain due to the absence of conclusive functional and genetic evidence.

Ambry Genetics
Classification: Uncertain significance. Last evaluated: 2024-01-03. Review status: criteria provided, single submitter. Criteria: Ambry Variant Classification Scheme 2023. Collection method: clinical testing. Allele origin: germline.

Labcorp Genetics (formerly Invitae), Labcorp
Classification: Uncertain significance for Nephronophthisis 14. Last evaluated: 2022-08-22. Review status: criteria provided, single submitter. Criteria: Invitae Variant Classification Sherloc (09022015). Collection method: clinical testing. Allele origin: germline.
Comment: This sequence change replaces arginine, which is basic and polar, with cysteine, which is neutral and slightly polar, at codon 461 of the ZNF423 protein (p.Arg461Cys). This variant is present in population databases (rs569507095, gnomAD 0.006%). This variant has not been reported in the literature in individuals affected with ZNF423-related conditions. ClinVar contains an entry for this variant (Variation ID: 1479984). Algorithms developed to predict the effect of missense changes on protein structure and function are either unavailable or do not agree on the potential impact of this missense change (SIFT: "Deleterious"; PolyPhen-2: "Possibly Damaging"; Align-GVGD: "Class C0"). In summary, the available evidence is currently insufficient to determine the role of this variant in disease. Therefore, it has been classified as a Variant of Uncertain Significance.

NM_001379286.1(ZNF423):c.1405C>T (p.Arg469Cys)

Gene: ZNF423 (zinc finger protein 423; minus strand). Cytogenetic location: 16q12.1.
Variant type: single nucleotide variant.
Coding change: c.1405C>T on transcript NM_001379286.1 (MANE Select); coding-DNA position 1405, C replaced by T.
Protein change: p.Arg469Cys; replaces arginine 469 with cysteine.
Molecular consequence: missense variant.
Genome position (GRCh38, 1-based): chr16:49,637,771, G>A on the plus strand (C>T on the coding strand, the complement: ZNF423 is on the minus strand). VCF-style: chr16-49637771-G-A. GRCh37 (hg19) VCF-style: chr16-49671682-G-A.
Other names: c.1201C>T, p.Arg401Cys (NM_001271620.2); c.1030C>T, p.Arg344Cys (NM_001330533.2); c.1381C>T, p.Arg461Cys (NM_015069.5); c.1381C>T (NM_015069.2, NM_015069.4); short protein forms R344C, R461C, R401C, R469C.
Identifiers: ClinVar variation 1479984 (VCV001479984.5), dbSNP rs569507095, ClinGen allele CA8046687.